The following is an entry in ClinVar:

NM_031885.5(BBS2):c.558T>C (p.Phe186=)

Gene: BBS2 (Bardet-Biedl syndrome 2; minus strand). Cytogenetic location: 16q13.
Variant type: single nucleotide variant.
Coding change: c.558T>C on transcript NM_031885.5 (MANE Select); coding-DNA position 558, T replaced by C.
Protein change: p.Phe186=; no amino-acid change (phenylalanine 186 retained).
Molecular consequence: synonymous variant. On other transcripts: non-coding transcript variant (5).
Genome position (GRCh38, 1-based): chr16:56,510,011, A>G on the plus strand (T>C on the coding strand, the complement: BBS2 is on the minus strand). VCF-style: chr16-56510011-A-G. GRCh37 (hg19) VCF-style: chr16-56543923-A-G.
Other names: c.558T>C, p.Phe186= (NM_001377456.1); c.558T>C (NM_031885.3).
Identifiers: ClinVar variation 1123979 (VCV001123979.11), dbSNP rs768109068, ClinGen allele CA8065998.

ClinVar aggregate classification (germline): Likely benign. Review status: criteria provided, multiple submitters, no conflicts (2 of 4 stars). 3 submissions from 3 submitters: Likely benign (2). 1 of the submissions does not count toward it. Last evaluated 2024-09-22.

Conditions:
Bardet-Biedl syndrome (BBS). Identifiers: Orphanet 110, MedGen C0752166, MONDO:0015229.
BBS2-related disorder. Also called: BBS2-related condition; BBS2-related disorders. Identifiers: MedGen CN239228.

Allele frequency attached by ClinVar (database versions not stated): gnomAD 0.00001; gnomAD exomes 0.00001 and 0.00003; TOPMed 0.00002; ExAC 0.00004.
gnomAD v4.1: 11 of 1,614,026 alleles (0.00068%); highest among the groups gnomAD compares: East Asian, 0.025%; no homozygotes.

Submissions (3):

Labcorp Genetics (formerly Invitae), Labcorp
Classification: Likely benign for Bardet-Biedl syndrome. Last evaluated: 2024-09-22. Review status: criteria provided, single submitter. Criteria: Invitae Variant Classification Sherloc (09022015). Collection method: clinical testing. Allele origin: germline.

Blueprint Genetics
Classification: Likely benign. Last evaluated: 2023-04-25. Review status: criteria provided, single submitter. Criteria: ACMG Guidelines, 2015. Collection method: clinical testing. Allele origin: germline.

PreventionGenetics, part of Exact Sciences
Classification: Likely benign for BBS2-related condition. Last evaluated: 2024-07-08. Review status: no assertion criteria provided. Collection method: clinical testing. Allele origin: germline. Not counted in ClinVar's aggregate classification.
Comment: This variant is classified as likely benign based on ACMG/AMP sequence variant interpretation guidelines (Richards et al. 2015 PMID: 25741868, with internal and published modifications).